The following is an entry in ClinVar:

ClinVar aggregate classification (germline): Uncertain significance (1 of 4 stars; one submission).

Conditions:
Familial cancer of breast. Also called: hereditary breast carcinoma; Hereditary breast cancer; BREAST CANCER, FAMILIAL. Identifiers: Orphanet 227535, MedGen C0346153, MONDO:0016419, OMIM 114480. Disease mechanism: loss of function.

Submission:

Labcorp Genetics (formerly Invitae), Labcorp
Classification: Uncertain significance for Familial cancer of breast. Last evaluated: 2025-06-25. Review status: criteria provided, single submitter. Criteria: Invitae Variant Classification Sherloc (09022015). Collection method: clinical testing. Allele origin: germline.
Comment: This sequence change replaces threonine, which is neutral and polar, with proline, which is neutral and non-polar, at codon 839 of the PALB2 protein (p.Thr839Pro). This variant is not present in population databases (gnomAD no frequency). This variant has not been reported in the literature in individuals affected with PALB2-related conditions. ClinVar contains an entry for this variant (Variation ID: 2694641). An algorithm developed to predict the effect of missense changes on protein structure and function outputs the following: PolyPhen-2: "Benign". The proline amino acid residue is found in multiple mammalian species, which suggests that this missense change does not adversely affect protein function. In summary, the available evidence is currently insufficient to determine the role of this variant in disease. Therefore, it has been classified as a Variant of Uncertain Significance.

NM_024675.4(PALB2):c.2515A>C (p.Thr839Pro)

Gene: PALB2 (partner and localizer of BRCA2; minus strand). Cytogenetic location: 16p12.2.
Variant type: single nucleotide variant.
Coding change: c.2515A>C on transcript NM_024675.4 (MANE Select); coding-DNA position 2515, A replaced by C.
Protein change: p.Thr839Pro; replaces threonine 839 with proline.
Molecular consequence: missense variant. On other transcripts: intron variant (1).
Genome position (GRCh38, 1-based): chr16:23,629,275, T>G on the plus strand (A>C on the coding strand, the complement: PALB2 is on the minus strand). VCF-style: chr16-23629275-T-G. GRCh37 (hg19) VCF-style: chr16-23640596-T-G.
Other names: c.2515A>C, p.Thr839Pro (NM_001407300.1, NM_001407301.1, NM_001407302.1 and 2 more transcripts); c.1630A>C, p.Thr544Pro (NM_001407304.1, NM_001407305.1, NM_001407309.1 and 5 more transcripts); c.727A>C, p.Thr243Pro (NM_001407313.1, NM_001407312.1); c.49A>C, p.Thr17Pro (NM_001407314.1); c.2514+365A>C (NM_001407297.1); c.2455A>C, p.Thr819Pro (NM_001407296.1); short protein forms T819P, T839P, T17P, T243P, T544P.
Identifiers: ClinVar variation 2694641 (VCV002694641.3), dbSNP rs2142369190, ClinGen allele CA395123876.